The following is an entry in ClinVar:

NM_020812.4(DOCK6):c.5617A>T (p.Lys1873Ter)

Gene: DOCK6 (dedicator of cytokinesis 6; minus strand). Cytogenetic location: 19p13.2.
Variant type: single nucleotide variant.
Coding change: c.5617A>T on transcript NM_020812.4 (MANE Select); coding-DNA position 5617, A replaced by T.
Protein change: p.Lys1873Ter; replaces lysine 1873 with a stop codon.
Molecular consequence: nonsense.
Genome position (GRCh38, 1-based): chr19:11,201,960, T>A on the plus strand (A>T on the coding strand, the complement: DOCK6 is on the minus strand). VCF-style: chr19-11201960-T-A. GRCh37 (hg19) VCF-style: chr19-11312636-T-A.
Other names: c.5722A>T, p.Lys1908Ter (NM_001367830.1); short protein forms K1873*, K1908*.
Identifiers: ClinVar variation 4536535 (VCV004536535.1), dbSNP rs753162763.

ClinVar aggregate classification (germline): Uncertain significance (1 of 4 stars; one submission).

Submission:

GeneDx
Classification: Uncertain significance. Last evaluated: 2025-06-04. Review status: criteria provided, single submitter. Criteria: GeneDx Variant Classification Process June 2021. Collection method: clinical testing. Allele origin: germline. Affected: yes.
Comment: Nonsense variant predicted to result in protein truncation or nonsense mediated decay in a gene for which loss of function is a known mechanism of disease; Has not been previously published as pathogenic or benign to our knowledge